The following is an entry in ClinVar:

NM_032043.3(BRIP1):c.1048del (p.Cys350fs)

Gene: BRIP1 (BRCA1 interacting DNA helicase 1; minus strand). Cytogenetic location: 17q23.2.
Variant type: Deletion.
Coding change: c.1048del on transcript NM_032043.3 (MANE Select); coding-DNA position 1048, one base deleted (T; older notation c.1048delT).
Protein change: p.Cys350fs; shifts the reading frame from cysteine 350.
Molecular consequence: frameshift variant.
Genome position (GRCh38, 1-based): chr17:61,801,345, A deleted on the plus strand (T on the coding strand, the reverse complement: BRIP1 is on the minus strand). VCF-style (leftmost placement, unchanged base first): chr17-61801344-CA-C. GRCh37 (hg19) VCF-style: chr17-59878705-CA-C.
Other names: short protein forms C350fs.
Identifiers: ClinVar variation 2583687 (VCV002583687.2), dbSNP rs2545153764, ClinGen allele CA2582342222.

ClinVar aggregate classification (germline): Pathogenic (1 of 4 stars; one submission).

Conditions:
Familial cancer of breast. Also called: Hereditary breast cancer; BREAST CANCER, FAMILIAL; hereditary breast carcinoma. Identifiers: Orphanet 227535, MedGen C0346153, MONDO:0016419, OMIM 114480. Disease mechanism: loss of function.

Submission:

Myriad Genetics, Inc.
Classification: Pathogenic for Familial cancer of breast. Last evaluated: 2023-06-01. Review status: criteria provided, single submitter. Criteria: Myriad Autosomal Dominant, Autosomal Recessive and X-Linked Classification Criteria (2023). Collection method: clinical testing. Allele origin: unknown.
Comment: This variant is considered pathogenic. This variant creates a frameshift predicted to result in premature protein truncation.